The following is an entry in ClinVar:

NM_001197104.2(KMT2A):c.4746G>C (p.Glu1582Asp)

Gene: KMT2A (lysine methyltransferase 2A; plus strand). Cytogenetic location: 11q23.3.
Variant type: single nucleotide variant.
Coding change: c.4746G>C on transcript NM_001197104.2 (MANE Select); coding-DNA position 4746, G replaced by C.
Protein change: p.Glu1582Asp; replaces glutamic acid 1582 with aspartic acid.
Molecular consequence: missense variant.
Genome position (GRCh38, 1-based): chr11:118,491,245, G>C. VCF-style: chr11-118491245-G-C. GRCh37 (hg19) VCF-style: chr11-118361960-G-C.
Other names: c.4845G>C, p.Glu1615Asp (NM_001412597.1); c.4746G>C, p.Glu1582Asp (NM_005933.4); short protein forms E1615D, E1582D.
Identifiers: ClinVar variation 2001240 (VCV002001240.4), dbSNP rs2496918483, ClinGen allele CA382834359.

ClinVar aggregate classification (germline): Uncertain significance (1 of 4 stars; one submission).

Submission:

Labcorp Genetics (formerly Invitae), Labcorp
Classification: Uncertain significance. Last evaluated: 2022-05-30. Review status: criteria provided, single submitter. Criteria: Invitae Variant Classification Sherloc (09022015). Collection method: clinical testing. Allele origin: germline.
Comment: This sequence change replaces glutamic acid, which is acidic and polar, with aspartic acid, which is acidic and polar, at codon 1582 of the KMT2A protein (p.Glu1582Asp). This variant is not present in population databases (gnomAD no frequency). This variant has not been reported in the literature in individuals affected with KMT2A-related conditions. Advanced modeling of protein sequence and biophysical properties (such as structural, functional, and spatial information, amino acid conservation, physicochemical variation, residue mobility, and thermodynamic stability) performed at Invitae indicates that this missense variant is not expected to disrupt KMT2A protein function. In summary, the available evidence is currently insufficient to determine the role of this variant in disease. Therefore, it has been classified as a Variant of Uncertain Significance.